The following is an entry in ClinVar:

NM_182914.3(SYNE2):c.14018A>G (p.Gln4673Arg)

Gene: SYNE2 (spectrin repeat containing nuclear envelope protein 2; plus strand). Cytogenetic location: 14q23.2.
Variant type: single nucleotide variant.
Coding change: c.14018A>G on transcript NM_182914.3 (MANE Select); coding-DNA position 14018, A replaced by G.
Protein change: p.Gln4673Arg; replaces glutamine 4673 with arginine.
Molecular consequence: missense variant.
Genome position (GRCh38, 1-based): chr14:64,128,552, A>G. VCF-style: chr14-64128552-A-G. GRCh37 (hg19) VCF-style: chr14-64595270-A-G.
Other names: c.14018A>G, p.Gln4673Arg (NM_015180.6); short protein forms Q4673R.
Identifiers: ClinVar variation 4711313 (VCV004711313.1).
Genomic context (GRCh38, chr14:64,128,552, plus strand): 5'-AGACATCTTTACAACAGTCTTTGAATGAAATCAGTGGGCAGAGTGTTGCTGAACAGCTTC[A>G]GGTAATCAAGTCAAAATAATTCAGACTGACTTAACTTTGAACCACAGAGCTTTGCATATA-3'
Protein context (NP_878918.2, residues 4663-4683): ISGQSVAEQL[Gln4673Arg]KADAYTVELE

ClinVar aggregate classification (germline): Uncertain significance (1 of 4 stars; one submission).

Conditions:
Emery-Dreifuss muscular dystrophy 5, autosomal dominant (EDMD5). Also called: EMERY-DREIFUSS MUSCULAR DYSTROPHY 5. Identifiers: Orphanet 261, MedGen C2751805, MONDO:0013072, OMIM 612999.

Submission:

Labcorp Genetics (formerly Invitae), Labcorp
Classification: Uncertain significance for Emery-Dreifuss muscular dystrophy 5, autosomal dominant. Last evaluated: 2025-12-15. Review status: criteria provided, single submitter. Criteria: Invitae Variant Classification Sherloc (09022015). Collection method: clinical testing. Allele origin: germline.
Comment: This sequence change replaces glutamine, which is neutral and polar, with arginine, which is basic and polar, at codon 4673 of the SYNE2 protein (p.Gln4673Arg). This variant is not present in population databases (gnomAD no frequency). This variant has not been reported in the literature in individuals affected with SYNE2-related conditions. An algorithm developed to predict the effect of missense changes on protein structure and function (PolyPhen-2) suggests that this variant is likely to be disruptive. Algorithms developed to predict the effect of sequence changes on RNA splicing suggest that this variant may disrupt the consensus splice site. In summary, the available evidence is currently insufficient to determine the role of this variant in disease. Therefore, it has been classified as a Variant of Uncertain Significance.